The following is an entry in ClinVar:

NM_001048174.2(MUTYH):c.1306A>T (p.Thr436Ser)

Gene: MUTYH (mutY DNA glycosylase; minus strand). Cytogenetic location: 1p34.1.
Variant type: single nucleotide variant.
Coding change: c.1306A>T on transcript NM_001048174.2 (MANE Select); coding-DNA position 1306, A replaced by T.
Protein change: p.Thr436Ser; replaces threonine 436 with serine.
Molecular consequence: missense variant. On other transcripts: non-coding transcript variant (7).
Genome position (GRCh38, 1-based): chr1:45,331,268, T>A on the plus strand (A>T on the coding strand, the complement: MUTYH is on the minus strand). VCF-style: chr1-45331268-T-A. GRCh37 (hg19) VCF-style: chr1-45796940-T-A.
Other names: c.1306A>T, p.Thr436Ser (NM_001048171.2, NM_001048173.2, NM_001293195.2 and 6 more transcripts); c.1309A>T, p.Thr437Ser (NM_001048172.2, NM_001407071.1, NM_001407078.1 and 1 more transcripts); c.1390A>T, p.Thr464Ser (NM_001128425.2); c.1351A>T, p.Thr451Ser (NM_001293190.2); c.1339A>T, p.Thr447Ser (NM_001293191.2, NM_001407069.1, NM_001407077.1); c.1030A>T, p.Thr344Ser (NM_001293192.2, NM_001293196.2, NM_001407091.1); c.961A>T, p.Thr321Ser (NM_001350650.2, NM_001350651.2, NM_001407082.1); c.1222A>T, p.Thr408Ser (NM_001407075.1); and 5 more; short protein forms T321S, T408S, T423S, T447S, T461S, T437S, T450S, T464S.
Identifiers: ClinVar variation 4113209 (VCV004113209.1).
Genomic context (GRCh38, chr1:45,331,268, plus strand): 5'-CGGTGTGAAATTCCTCCTGCGTCAGCCAGCGAGCACCTGGTGGTACGGTGGTCACTGGGG[T>A]CTGCCCTTCCAAGGCCAGCCCATATACTTGATATGTCAGCTTGATGTGAGAGAAGGTGTG-3'
Protein context (NP_001041639.1, residues 426-446): QVYGLALEGQ[Thr436Ser]PVTTVPPGAR

ClinVar aggregate classification (germline): Uncertain significance (1 of 4 stars; one submission).

Conditions:
Hereditary cancer-predisposing syndrome. Also called: Tumor predisposition; Neoplastic Syndromes, Hereditary; Hereditary neoplastic syndrome; Hereditary Cancer Syndrome. Identifiers: Orphanet 140162, MedGen C0027672, MeSH D009386, MONDO:0015356.

Submission:

Ambry Genetics
Classification: Uncertain significance for Hereditary cancer-predisposing syndrome. Last evaluated: 2025-08-27. Review status: criteria provided, single submitter. Criteria: Ambry Variant Classification Scheme 2023. Collection method: clinical testing. Allele origin: germline.
Comment: The p.T464S variant (also known as c.1390A>T), located in coding exon 14 of the MUTYH gene, results from an A to T substitution at nucleotide position 1390. The threonine at codon 464 is replaced by serine, an amino acid with similar properties. This amino acid position is conserved. In addition, this alteration is predicted to be tolerated by in silico analysis. Based on the available evidence, the clinical significance of this variant remains unclear.